The following is an entry in ClinVar:

ClinVar aggregate classification (germline): Benign/Likely benign. Review status: criteria provided, multiple submitters, no conflicts (2 of 4 stars). 10 submissions from 10 submitters: Benign (6); Likely benign (3). 1 of the submissions does not count toward it. Last evaluated 2026-02-02.

Conditions:
Kidney disorder. Also called: Nephropathy; Kidney disease; Kidney Diseases; renal disorder; renal disease. Identifiers: MedGen C0022658, MONDO:0005240, HP:0000112.
Alport syndrome. Also called: Hemorrhagic familial nephritis; Hemorrhagic hereditary nephritis; Congenital hereditary hematuria. Identifiers: Orphanet 63, MedGen C1567741, MONDO:0018965.

Allele frequency attached by ClinVar (database versions not stated): gnomAD exomes 0.00157 and 0.00387; ExAC 0.00483; 1000 Genomes Project 0.01478; gnomAD 0.01506 and 0.01612; 1000 Genomes Project 30x 0.01515; ESP Exome Variant Server 0.01544; TOPMed 0.01726.
gnomAD v4.1: 4,673 of 1,613,994 alleles (0.29%); highest among the groups gnomAD compares: African/African-American, 5.3%; 110 homozygotes.

Submissions (10):

Labcorp Genetics (formerly Invitae), Labcorp
Classification: Benign. Last evaluated: 2026-02-02. Review status: criteria provided, single submitter. Criteria: Invitae Variant Classification Sherloc (09022015). Collection method: clinical testing. Allele origin: germline.

Mayo Clinic Laboratories, Mayo Clinic
Classification: Benign. Last evaluated: 2023-12-07. Review status: criteria provided, single submitter. Criteria: ACMG Guidelines, 2015. Collection method: clinical testing. Allele origin: germline. Observed: 4 variant alleles.

Genome Diagnostics Laboratory, The Hospital for Sick Children
Classification: Likely benign for Kidney disorder. Last evaluated: 2020-07-01. Review status: criteria provided, single submitter. Criteria: ACMG Guidelines, 2015. Collection method: clinical testing. Allele origin: germline.

Athena Diagnostics
Classification: Benign. Last evaluated: 2018-02-28. Review status: criteria provided, single submitter. Criteria: Athena Diagnostics Criteria. Collection method: clinical testing. Allele origin: germline.

GeneDx
Classification: Benign. Last evaluated: 2017-10-09. Review status: criteria provided, single submitter. Criteria: GeneDx Variant Classification (06012015). Collection method: clinical testing. Allele origin: germline. Affected: yes.
Comment: This variant is considered likely benign or benign based on one or more of the following criteria: it is a conservative change, it occurs at a poorly conserved position in the protein, it is predicted to be benign by multiple in silico algorithms, and/or has population frequency not consistent with disease.

Illumina Laboratory Services, Illumina
Classification: Likely benign for Alport syndrome. Last evaluated: 2017-04-27. Review status: criteria provided, single submitter. Criteria: ICSL Variant Classification Criteria 13 December 2019. Collection method: clinical testing. Allele origin: germline.
Comment: This variant was observed as part of a predisposition screen in an ostensibly healthy population. A literature search was performed for the gene, cDNA change, and amino acid change (where applicable). No publications were found based on this search. Allele frequency data from public databases allowed determination this variant is unlikely to cause disease. Therefore, this variant is classified as likely benign.

Laboratory for Molecular Medicine, Mass General Brigham Personalized Medicine
Classification: Benign. Last evaluated: 2016-03-21. Review status: criteria provided, single submitter. Criteria: LMM Criteria. Collection method: clinical testing. Allele origin: germline. Observed: 2 variant alleles.
Comment: p.Gly813Gly in exon 29 of COL4A4: This variant is not expected to have clinical significance because it does not alter an amino acid residue, is not located wit hin the splice consensus sequence, and has been identified in 5.59% (526/9418) o f African chromosomes by the Exome Aggregation Consortium (ExAC; dbSNP rs34835657).

Breakthrough Genomics
Classification: Likely benign. Review status: criteria provided, single submitter. Criteria: ACMG Guidelines, 2015. Collection method: not provided. Allele origin: germline. Inheritance: Autosomal recessive inheritance. Affected: yes.

PreventionGenetics, part of Exact Sciences
Classification: Benign. Review status: criteria provided, single submitter. Criteria: ACMG Guidelines, 2015. Collection method: clinical testing. Allele origin: germline.

Natera, Inc.
Classification: Benign for Alport syndrome. Last evaluated: 2020-09-16. Review status: no assertion criteria provided. Collection method: clinical testing. Allele origin: germline. Not counted in ClinVar's aggregate classification.

NM_000092.5(COL4A4):c.2439A>T (p.Gly813=)

Gene: COL4A4 (collagen type IV alpha 4 chain; minus strand). Cytogenetic location: 2q36.3.
Variant type: single nucleotide variant.
Coding change: c.2439A>T on transcript NM_000092.5 (MANE Select); coding-DNA position 2439, A replaced by T.
Protein change: p.Gly813=; no amino-acid change (glycine 813 retained).
Molecular consequence: synonymous variant.
Genome position (GRCh38, 1-based): chr2:227,057,545, T>A on the plus strand (A>T on the coding strand, the complement: COL4A4 is on the minus strand). VCF-style: chr2-227057545-T-A. GRCh37 (hg19) VCF-style: chr2-227922261-T-A.
Other names: p.Gly813=.
Identifiers: ClinVar variation 255021 (VCV000255021.27), dbSNP rs34835657, ClinGen allele CA2144804.